The following is an entry in ClinVar:

NM_007327.4(GRIN1):c.1925T>C (p.Ile642Thr)

Gene: GRIN1 (glutamate ionotropic receptor NMDA type subunit 1; plus strand). Cytogenetic location: 9q34.3.
Variant type: single nucleotide variant.
Coding change: c.1925T>C on transcript NM_007327.4 (MANE Select); coding-DNA position 1925, T replaced by C.
Protein change: p.Ile642Thr; replaces isoleucine 642 with threonine.
Molecular consequence: missense variant.
Genome position (GRCh38, 1-based): chr9:137,162,651, T>C. VCF-style: chr9-137162651-T-C. GRCh37 (hg19) VCF-style: chr9-140057103-T-C.
Other names: c.1925T>C, p.Ile642Thr (NM_000832.7, NM_021569.4); c.1988T>C, p.Ile663Thr (NM_001185090.2, NM_001185091.2, NM_001437330.1 and 1 more transcripts); short protein forms I642T, I663T.
Identifiers: ClinVar variation 4880195 (VCV004880195.1).

ClinVar aggregate classification (germline): Likely pathogenic (1 of 4 stars; one submission).

Conditions:
Neurodevelopmental disorder with or without hyperkinetic movements and seizures, autosomal dominant. Also called: Intellectual disability, autosomal dominant 8. Identifiers: MedGen C3280282, MONDO:0013655, OMIM 614254.

Submission:

Wales Gene Park, Division Of Cancer and Genetics, Cardiff University
Classification: Likely pathogenic for Neurodevelopmental disorder with or without hyperkinetic movements and seizures, autosomal dominant. Last evaluated: 2026-04-28. Review status: criteria provided, single submitter. Criteria: ACGS Best Practice Guidelines for Variant Classification in Rare Disease 2024. Collection method: research. Allele origin: de novo. Inheritance: Autosomal dominant inheritance. Affected: yes. Study: 100,000 Genomes Project (Wales).
Comment: De novo GRIN1 missense variant detected by trio genome sequencing. Located in the highly conserved M3 transmembrane helix. Not in gnomAD (v4.1.1). REVEL score 0.73. Constrained gene (gnomAD missense Z score 8.46). Other missense changes at same residue reported in ClinVar as likely pathogenic (p.Ile642Phe, p.Ile642Leu). Phenotype consistent with gene but not highly specific and high genetic heterogeneity. Evidence codes: PM2, PP2, PP3, PM5, PS2_supporting, PM1_supporting.